The following is an entry in ClinVar:

ClinVar aggregate classification (germline): Pathogenic (1 of 4 stars; one submission).

Conditions:
Neurofibromatosis, type 1 (NF1). Also called: NEUROFIBROMATOSIS, TYPE I, SOMATIC; Peripheral type neurofibromatosis; VON RECKLINGHAUSEN DISEASE; Neurofibromatosis, type I. Identifiers: Orphanet 636, MedGen C0027831, MONDO:0018975, OMIM 162200. Disease mechanism: loss of function.

Submission:

Labcorp Genetics (formerly Invitae), Labcorp
Classification: Pathogenic for Neurofibromatosis, type 1. Last evaluated: 2022-11-12. Review status: criteria provided, single submitter. Criteria: Invitae Variant Classification Sherloc (09022015). Collection method: clinical testing. Allele origin: germline.
Comment: This sequence change creates a premature translational stop signal (p.His2322Ilefs*3) in the NF1 gene. It is expected to result in an absent or disrupted protein product. Loss-of-function variants in NF1 are known to be pathogenic (PMID: 10712197, 23913538). This variant is not present in population databases (gnomAD no frequency). This variant has not been reported in the literature in individuals affected with NF1-related conditions. Algorithms developed to predict the effect of sequence changes on RNA splicing suggest that this variant may create or strengthen a splice site. For these reasons, this variant has been classified as Pathogenic.

Literature cited by the submitters: PubMed 10712197; PubMed 23913538.

NM_001042492.3(NF1):c.7027del (p.His2343fs)

Gene: NF1 (neurofibromin 1; plus strand). Cytogenetic location: 17q11.2.
Variant type: Deletion.
Coding change: c.7027del on transcript NM_001042492.3 (MANE Select); coding-DNA position 7027, one base deleted (C; older notation c.7027delC).
Protein change: p.His2343fs; shifts the reading frame from histidine 2343.
Molecular consequence: frameshift variant.
Genome position (GRCh38, 1-based): chr17:31,340,610, C deleted. VCF-style (leftmost placement, unchanged base first): chr17-31340609-GC-G. GRCh37 (hg19) VCF-style: chr17-29667627-GC-G.
Other names: c.6964delC, p.His2322Ilefs (NM_000267.4); short protein forms H2322fs, H2343fs.
Identifiers: ClinVar variation 2813921 (VCV002813921.3), dbSNP rs2508770630, ClinGen allele CA2739267441.